The following is an entry in ClinVar:

ClinVar aggregate classification (germline): Uncertain significance (1 of 4 stars; one submission).

Conditions:
Dilated cardiomyopathy 1G (CMD1G). Identifiers: Orphanet 154, MedGen C1858763, MONDO:0011400, OMIM 604145.
Autosomal recessive limb-girdle muscular dystrophy type 2J (LGMDR10). Also called: MUSCULAR DYSTROPHY, LIMB-GIRDLE, AUTOSOMAL RECESSIVE 10; Limb-girdle muscular dystrophy, type 2J. Identifiers: Orphanet 140922, MedGen C1837342, MONDO:0012127, OMIM 608807.

Submission:

Labcorp Genetics (formerly Invitae), Labcorp
Classification: Uncertain significance for Dilated cardiomyopathy 1G; Autosomal recessive limb-girdle muscular dystrophy type 2J. Last evaluated: 2022-05-06. Review status: criteria provided, single submitter. Criteria: Invitae Variant Classification Sherloc (09022015). Collection method: clinical testing. Allele origin: germline.
Comment: This variant is a gross deletion of the genomic region encompassing exon(s) 111-112 of the TTN gene. This variant would be expected to be in-frame, preserving the integrity of the reading frame. This variant has not been reported in the literature in individuals affected with TTN-related conditions. Experimental studies and prediction algorithms are not available or were not evaluated, and the functional significance of this variant is currently unknown. This variant disrupts the I band of TTN (PMID: 25589632). Copy number variants in TTN have been previously reported in individuals affected with neuromuscular disorders (PMID: 29792937, 30238059), but the functional significance of this variant is currently unknown. In summary, the available evidence is currently insufficient to determine the role of this variant in disease. Therefore, it has been classified as a Variant of Uncertain Significance.

Literature cited by the submitters: PubMed 25589632; PubMed 29792937; PubMed 30238059.

NC_000002.11:g.(?_179563550)_(179565950_?)del

Gene: TTN (titin; minus strand). Cytogenetic location: 2q31.2.
Variant type: Deletion.
Identifiers: ClinVar variation 2424033 (VCV002424033.5).